The following is an entry in ClinVar:

ClinVar aggregate classification (germline): Conflicting classifications of pathogenicity. Review status: criteria provided, conflicting classifications (1 of 4 stars). 5 submissions from 5 submitters: Uncertain significance (1); Likely benign (4). Last evaluated 2026-01-06.

Conditions:
Hereditary cancer-predisposing syndrome. Also called: Tumor predisposition; Hereditary neoplastic syndrome; Neoplastic Syndromes, Hereditary; Hereditary Cancer Syndrome. Identifiers: Orphanet 140162, MedGen C0027672, MeSH D009386, MONDO:0015356.

Allele frequency attached by ClinVar (database versions not stated): ExAC 0.00001; gnomAD exomes 0.00001.
gnomAD v4.1: 6 of 1,613,846 alleles (0.00037%); highest among the groups gnomAD compares: Admixed American, 0.005%; no homozygotes.

Submissions (5):

Labcorp Genetics (formerly Invitae), Labcorp
Classification: Likely benign. Last evaluated: 2026-01-06. Review status: criteria provided, single submitter. Criteria: Invitae Variant Classification Sherloc (09022015). Collection method: clinical testing. Allele origin: germline.

Mayo Clinic Laboratories, Mayo Clinic
Classification: Likely benign. Last evaluated: 2025-11-20. Review status: criteria provided, single submitter. Criteria: ACMG Guidelines, 2015. Collection method: clinical testing. Allele origin: germline. Observed: 2 variant alleles.
Comment: BP4, BP7

Quest Diagnostics Nichols Institute San Juan Capistrano
Classification: Likely benign. Last evaluated: 2025-07-09. Review status: criteria provided, single submitter. Criteria: Quest Diagnostics criteria. Collection method: clinical testing. Allele origin: unknown.

Center for Genomic Medicine, Rigshospitalet, Copenhagen University Hospital
Classification: Likely benign. Last evaluated: 2025-03-04. Review status: criteria provided, single submitter. Criteria: ACMG Guidelines, 2015. Collection method: clinical testing. Allele origin: germline.

Sema4
Classification: Uncertain significance for Hereditary cancer-predisposing syndrome. Last evaluated: 2022-03-10. Review status: criteria provided, single submitter. Criteria: Sema4 Curation Guidelines. Collection method: curation. Allele origin: germline.
Comment: The MSH3 c.1340+6T>C variant has not been reported in the literature to our knowledge. This variant was observed in 2/34556 chromosomes in the Latino population according to the Genome Aggregation Database (PMID: 32461654). The variant has been reported in ClinVar (Variation ID: 664657). In silico tools suggest the variant may not disrupt normal splicing, though these predictions have not been confirmed by functional studies. The evidence is insufficient to meet ACMG/AMP criteria for classifying the variant as benign or pathogenic. Thus, the clinical significance of this variant is currently uncertain.

NM_002439.5(MSH3):c.1340+6T>C

Gene: MSH3 (mutS homolog 3; plus strand). Cytogenetic location: 5q14.1.
Variant type: single nucleotide variant.
Coding change: c.1340+6T>C on transcript NM_002439.5 (MANE Select); 6 bases into the intron after coding-DNA position 1340, T replaced by C.
Molecular consequence: intron variant.
Genome position (GRCh38, 1-based): chr5:80,679,099, T>C. VCF-style: chr5-80679099-T-C. GRCh37 (hg19) VCF-style: chr5-79974918-T-C.
Other names: p.?.
Identifiers: ClinVar variation 664657 (VCV000664657.14), dbSNP rs749448458, ClinGen allele CA3327865.